The following is an entry in ClinVar:

NM_004423.4(DVL3):c.1639T>C (p.Tyr547His)

Gene: DVL3 (dishevelled segment polarity protein 3; plus strand). Cytogenetic location: 3q27.1.
Variant type: single nucleotide variant.
Coding change: c.1639T>C on transcript NM_004423.4 (MANE Select); coding-DNA position 1639, T replaced by C.
Protein change: p.Tyr547His; replaces tyrosine 547 with histidine.
Molecular consequence: missense variant.
Genome position (GRCh38, 1-based): chr3:184,170,146, T>C. VCF-style: chr3-184170146-T-C. GRCh37 (hg19) VCF-style: chr3-183887934-T-C.
Other names: short protein forms Y547H.
Identifiers: ClinVar variation 3235814 (VCV003235814.3), dbSNP rs2473705350, ClinGen allele CA355415175.

ClinVar aggregate classification (germline): Uncertain significance. Review status: criteria provided, multiple submitters, no conflicts (2 of 4 stars). 2 submissions from 2 submitters: Uncertain significance (2). Last evaluated 2024-12-23.

Submissions (2):

Labcorp Genetics (formerly Invitae), Labcorp
Classification: Uncertain significance. Last evaluated: 2024-12-23. Review status: criteria provided, single submitter. Criteria: Invitae Variant Classification Sherloc (09022015). Collection method: clinical testing. Allele origin: germline.
Comment: This sequence change replaces tyrosine, which is neutral and polar, with histidine, which is basic and polar, at codon 547 of the DVL3 protein (p.Tyr547His). This variant is not present in population databases (gnomAD no frequency). This variant has not been reported in the literature in individuals affected with DVL3-related conditions. ClinVar contains an entry for this variant (Variation ID: 3235814). Invitae Evidence Modeling of protein sequence and biophysical properties (such as structural, functional, and spatial information, amino acid conservation, physicochemical variation, residue mobility, and thermodynamic stability) indicates that this missense variant is not expected to disrupt DVL3 protein function with a negative predictive value of 80%. In summary, the available evidence is currently insufficient to determine the role of this variant in disease. Therefore, it has been classified as a Variant of Uncertain Significance.

Greenwood Genetic Center Diagnostic Laboratories, Greenwood Genetic Center
Classification: Uncertain significance. Last evaluated: 2024-01-09. Review status: criteria provided, single submitter. Criteria: ACMG Guidelines, 2015. Collection method: clinical testing. Allele origin: germline. Affected: yes.
Comment: PM2, PP3